The following is an entry in ClinVar:

ClinVar aggregate classification (germline): Uncertain significance. Review status: criteria provided, multiple submitters, no conflicts (2 of 4 stars). 2 submissions from 2 submitters: Uncertain significance (2). Last evaluated 2022-09-12.

Conditions:
Ataxia, early-onset, with oculomotor apraxia and hypoalbuminemia (EAOH). Also called: Ataxia-oculomotor apraxia type 1; ATAXIA-OCULOMOTOR APRAXIA SYNDROME; ATAXIA-TELANGIECTASIA-LIKE SYNDROME. Identifiers: Orphanet 1168, MedGen C1859598, MONDO:0008842, OMIM 208920.

Allele frequency attached by ClinVar (database versions not stated): gnomAD exomes 0.00001; TOPMed 0.00001; gnomAD 0.00003.

Submissions (2):

Labcorp Genetics (formerly Invitae), Labcorp
Classification: Uncertain significance. Last evaluated: 2022-09-12. Review status: criteria provided, single submitter. Criteria: Invitae Variant Classification Sherloc (09022015). Collection method: clinical testing. Allele origin: germline.
Comment: In summary, the available evidence is currently insufficient to determine the role of this variant in disease. Therefore, it has been classified as a Variant of Uncertain Significance. Advanced modeling of protein sequence and biophysical properties (such as structural, functional, and spatial information, amino acid conservation, physicochemical variation, residue mobility, and thermodynamic stability) performed at Invitae indicates that this missense variant is not expected to disrupt APTX protein function. ClinVar contains an entry for this variant (Variation ID: 366594). This variant has not been reported in the literature in individuals affected with APTX-related conditions. This variant is present in population databases (no rsID available, gnomAD 0.01%). This sequence change replaces glutamic acid, which is acidic and polar, with aspartic acid, which is acidic and polar, at codon 125 of the APTX protein (p.Glu125Asp).

Illumina Laboratory Services, Illumina
Classification: Uncertain significance for Ataxia, early-onset, with oculomotor apraxia and hypoalbuminemia. Last evaluated: 2018-01-13. Review status: criteria provided, single submitter. Criteria: ICSL Variant Classification Criteria 13 December 2019. Collection method: clinical testing. Allele origin: germline.

NM_001195248.2(APTX):c.375A>T (p.Glu125Asp)

Gene: APTX (aprataxin; minus strand). Cytogenetic location: 9p21.1.
Variant type: single nucleotide variant.
Coding change: c.375A>T on transcript NM_001195248.2 (MANE Select); coding-DNA position 375, A replaced by T.
Protein change: p.Glu125Asp; replaces glutamic acid 125 with aspartic acid.
Molecular consequence: missense variant. On other transcripts: non-coding transcript variant (13), intron variant (1).
Genome position (GRCh38, 1-based): chr9:32,987,652, T>A on the plus strand (A>T on the coding strand, the complement: APTX is on the minus strand). VCF-style: chr9-32987652-T-A. GRCh37 (hg19) VCF-style: chr9-32987650-T-A.
Other names: c.267+108A>T (NM_001195252.2); c.375A>T, p.Glu125Asp (NM_001195249.2, NM_001195251.2, NM_001368995.1 and 6 more transcripts); c.213A>T, p.Glu71Asp (NM_001195250.2, NM_001195254.2, NM_001369000.1 and 1 more transcripts); c.111A>T, p.Glu37Asp (NM_001369002.1, NM_001369003.1, NM_001369004.1 and 5 more transcripts); short protein forms E125D, E71D, E37D.
Identifiers: ClinVar variation 366594 (VCV000366594.13), dbSNP rs886063858, ClinGen allele CA10627234.